The following is an entry in ClinVar:

ClinVar aggregate classification (germline): Uncertain significance (1 of 4 stars; one submission).

Conditions:
46,XY sex reversal 9 (SRXY9). Also called: 46,XY SEX REVERSAL, ZFPM2-RELATED. Identifiers: Orphanet 251510, MedGen C4015129, MONDO:0014480, OMIM 616067.

Allele frequency attached by ClinVar (database versions not stated): gnomAD 0.00001; ExAC 0.00002; gnomAD exomes 0.00001; TOPMed below 0.00001.
gnomAD v4.1: 20 of 1,613,450 alleles (0.0012%); highest among the groups gnomAD compares: Non-Finnish European, 0.0017%; no homozygotes.

Submission:

Labcorp Genetics (formerly Invitae), Labcorp
Classification: Uncertain significance for 46,XY sex reversal 9. Last evaluated: 2026-01-08. Review status: criteria provided, single submitter. Criteria: Invitae Variant Classification Sherloc (09022015). Collection method: clinical testing. Allele origin: germline.
Comment: This sequence change replaces histidine, which is basic and polar, with arginine, which is basic and polar, at codon 320 of the ZFPM2 protein (p.His320Arg). This variant is present in population databases (rs770131455, gnomAD 0.004%). This variant has not been reported in the literature in individuals affected with ZFPM2-related conditions. ClinVar contains an entry for this variant (Variation ID: 2912787). An algorithm developed to predict the effect of missense changes on protein structure and function (PolyPhen-2) suggests that this variant is likely to be disruptive. In summary, the available evidence is currently insufficient to determine the role of this variant in disease. Therefore, it has been classified as a Variant of Uncertain Significance.

NM_012082.4(ZFPM2):c.959A>G (p.His320Arg)

Genes: ZFPM2 (zinc finger protein, FOG family member 2; plus strand), ZFPM2-AS1 (ZFPM2 antisense RNA 1; minus strand). Cytogenetic location: 8q23.1.
Variant type: single nucleotide variant.
Coding change: c.959A>G on transcript NM_012082.4 (MANE Select); coding-DNA position 959, A replaced by G.
Protein change: p.His320Arg; replaces histidine 320 with arginine.
Molecular consequence: missense variant.
Genome position (GRCh38, 1-based): chr8:105,798,943, A>G. VCF-style: chr8-105798943-A-G. GRCh37 (hg19) VCF-style: chr8-106811171-A-G.
Other names: c.800A>G, p.His267Arg (NM_001362836.2); c.563A>G, p.His188Arg (NM_001362837.2); short protein forms H267R, H320R, H188R.
Identifiers: ClinVar variation 2912787 (VCV002912787.3), dbSNP rs770131455, ClinGen allele CA4839661.